The following is an entry in ClinVar:

NM_001036.6(RYR3):c.8016G>A (p.Ala2672=)

Gene: RYR3 (ryanodine receptor 3; plus strand). Cytogenetic location: 15q14.
Variant type: single nucleotide variant.
Coding change: c.8016G>A on transcript NM_001036.6 (MANE Select); coding-DNA position 8016, G replaced by A.
Protein change: p.Ala2672=; no amino-acid change (alanine 2672 retained).
Molecular consequence: synonymous variant.
Genome position (GRCh38, 1-based): chr15:33,748,140, G>A. VCF-style: chr15-33748140-G-A. GRCh37 (hg19) VCF-style: chr15-34040341-G-A.
Other names: c.8016G>A, p.Ala2672= (NM_001243996.4).
Identifiers: ClinVar variation 531139 (VCV000531139.37), dbSNP rs201746379, ClinGen allele CA7460070.

ClinVar aggregate classification (germline): Likely benign. Review status: criteria provided, multiple submitters, no conflicts (2 of 4 stars). 4 submissions from 4 submitters: Likely benign (4). Last evaluated 2024-11-27.

Conditions:
Epileptic encephalopathy. Identifiers: MedGen C0543888, HP:0200134.

Allele frequency attached by ClinVar (database versions not stated): gnomAD exomes 0.00034 and 0.00069; gnomAD 0.00036 and 0.00039; ESP Exome Variant Server 0.00041; TOPMed 0.00042; ExAC 0.00051.
gnomAD v4.1: 576 of 1,613,752 alleles (0.036%); highest among the groups gnomAD compares: African/African-American, 0.012%; 4 homozygotes.

Submissions (4):

Blueprint Genetics
Classification: Likely benign. Last evaluated: 2024-11-27. Review status: criteria provided, single submitter. Criteria: ACMG Guidelines, 2015. Collection method: clinical testing. Allele origin: germline.

CeGaT Center for Human Genetics Tuebingen
Classification: Likely benign. Last evaluated: 2022-12-01. Review status: criteria provided, single submitter. Criteria: CeGaT Center For Human Genetics Tuebingen Variant Classification Criteria Version 2. Collection method: clinical testing. Allele origin: germline. Affected: yes. Observed: 1 variant allele.
Comment: RYR3: BP4, BP7

Labcorp Genetics (formerly Invitae), Labcorp
Classification: Likely benign for Epileptic encephalopathy. Last evaluated: 2022-07-06. Review status: criteria provided, single submitter. Criteria: Invitae Variant Classification Sherloc (09022015). Collection method: clinical testing. Allele origin: germline.

Breakthrough Genomics
Classification: Likely benign. Review status: criteria provided, single submitter. Criteria: ACMG Guidelines, 2015. Collection method: not provided. Allele origin: germline. Inheritance: Unknown mechanism. Affected: yes.